The following is an entry in ClinVar:

ClinVar aggregate classification (germline): Uncertain significance (1 of 4 stars; one submission).

Conditions:
Fanconi anemia (FA). Also called: Fanconi's anemia. Identifiers: Orphanet 84, MedGen C0015625, MeSH D005199, MONDO:0019391.

Submission:

Labcorp Genetics (formerly Invitae), Labcorp
Classification: Uncertain significance for Fanconi anemia. Last evaluated: 2024-01-30. Review status: criteria provided, single submitter. Criteria: Invitae Variant Classification Sherloc (09022015). Collection method: clinical testing. Allele origin: germline.
Comment: This sequence change replaces serine, which is neutral and polar, with arginine, which is basic and polar, at codon 1423 of the FANCD2 protein (p.Ser1423Arg). This variant is not present in population databases (gnomAD no frequency). This variant has not been reported in the literature in individuals affected with FANCD2-related conditions. Advanced modeling of protein sequence and biophysical properties (such as structural, functional, and spatial information, amino acid conservation, physicochemical variation, residue mobility, and thermodynamic stability) performed at Invitae indicates that this missense variant is not expected to disrupt FANCD2 protein function with a negative predictive value of 80%. In summary, the available evidence is currently insufficient to determine the role of this variant in disease. Therefore, it has been classified as a Variant of Uncertain Significance.

NM_001018115.3(FANCD2):c.4269C>G (p.Ser1423Arg)

Genes: FANCD2 (FA complementation group D2; plus strand), FANCD2OS (FANCD2 opposite strand; minus strand). Cytogenetic location: 3p25.3.
Variant type: single nucleotide variant.
Coding change: c.4269C>G on transcript NM_001018115.3 (MANE Select); coding-DNA position 4269, C replaced by G.
Protein change: p.Ser1423Arg; replaces serine 1423 with arginine.
Molecular consequence: missense variant. On other transcripts: intron variant (1).
Genome position (GRCh38, 1-based): chr3:10,098,803, C>G. VCF-style: chr3-10098803-C-G. GRCh37 (hg19) VCF-style: chr3-10140487-C-G.
Other names: c.4269C>G, p.Ser1423Arg (NM_001319984.2, NM_033084.6); c.4158C>G, p.Ser1386Arg (NM_001374253.1); c.4230C>G, p.Ser1410Arg (NM_001374254.1); c.*43+5395G>C (NM_173472.2); short protein forms S1386R, S1410R, S1423R.
Identifiers: ClinVar variation 3637458 (VCV003637458.2).